The following is an entry in ClinVar:

ClinVar aggregate classification (germline): Uncertain significance (1 of 4 stars; one submission).

Conditions:
Hereditary cancer-predisposing syndrome. Also called: Neoplastic Syndromes, Hereditary; Tumor predisposition; Hereditary Cancer Syndrome; Hereditary neoplastic syndrome. Identifiers: Orphanet 140162, MedGen C0027672, MeSH D009386, MONDO:0015356.

Submission:

Ambry Genetics
Classification: Uncertain significance for Hereditary cancer-predisposing syndrome. Last evaluated: 2025-10-13. Review status: criteria provided, single submitter. Criteria: Ambry Variant Classification Scheme 2023. Collection method: clinical testing. Allele origin: germline.
Comment: The p.S719R variant (also known as c.2157T>A), located in coding exon 8 of the AXIN2 gene, results from a T to A substitution at nucleotide position 2157. The serine at codon 719 is replaced by arginine, an amino acid with dissimilar properties. This amino acid position is conserved. In addition, this alteration is predicted to be tolerated by in silico analysis. Based on the available evidence, the clinical significance of this variant remains unclear.

NM_004655.4(AXIN2):c.2157T>A (p.Ser719Arg)

Gene: AXIN2 (axin 2; minus strand). Cytogenetic location: 17q24.1.
Variant type: single nucleotide variant.
Coding change: c.2157T>A on transcript NM_004655.4 (MANE Select); coding-DNA position 2157, T replaced by A.
Protein change: p.Ser719Arg; replaces serine 719 with arginine.
Molecular consequence: missense variant.
Genome position (GRCh38, 1-based): chr17:65,535,706, A>T on the plus strand (T>A on the coding strand, the complement: AXIN2 is on the minus strand). VCF-style: chr17-65535706-A-T. GRCh37 (hg19) VCF-style: chr17-63531824-A-T.
Other names: c.1962T>A, p.Ser654Arg (NM_001363813.1); short protein forms S654R, S719R.
Identifiers: ClinVar variation 4619647 (VCV004619647.1).
Genomic context (GRCh38, chr17:65,535,706, plus strand): 5'-ATTGGAGAAGGGTGTGGCTCCCGTCTGAACAGTGGCCGAATGATTCCTGTCCCTCTGCTG[A>T]CTGGCCACACAGCACCTGAGGACACAGCCAGGGCGAGGGATTTAGAGGTACACTGTTGTC-3'
Protein context (NP_004646.3, residues 709-729): KPPKQRCCVA[Ser719Arg]QQRDRNHSAT